The following is an entry in ClinVar:

NM_006947.4(SRP72):c.718G>C (p.Gly240Arg)

Gene: SRP72 (signal recognition particle 72; plus strand). Cytogenetic location: 4q12.
Variant type: single nucleotide variant.
Coding change: c.718G>C on transcript NM_006947.4 (MANE Select); coding-DNA position 718, G replaced by C.
Protein change: p.Gly240Arg; replaces glycine 240 with arginine.
Molecular consequence: missense variant. On other transcripts: non-coding transcript variant (1), intron variant (1).
Genome position (GRCh38, 1-based): chr4:56,478,454, G>C. VCF-style: chr4-56478454-G-C. GRCh37 (hg19) VCF-style: chr4-57344620-G-C.
Other names: c.642+1752G>C (NM_001267722.2); short protein forms G240R.
Identifiers: ClinVar variation 3801455 (VCV003801455.1).

ClinVar aggregate classification (germline): Uncertain significance (1 of 4 stars; one submission).

gnomAD v4.1: 2 of 1,613,700 alleles (0.00012%); highest among the groups gnomAD compares: Non-Finnish European, 0.000085%; no homozygotes.

Submission:

Ambry Genetics
Classification: Uncertain significance. Last evaluated: 2025-01-20. Review status: criteria provided, single submitter. Criteria: Ambry Variant Classification Scheme 2023. Collection method: clinical testing. Allele origin: germline.
Comment: The p.G240R variant (also known as c.718G>C), located in coding exon 7 of the SRP72 gene, results from a G to C substitution at nucleotide position 718. The glycine at codon 240 is replaced by arginine, an amino acid with dissimilar properties. This amino acid position is conserved. In addition, this alteration is predicted to be deleterious by in silico analysis. Based on the available evidence, the clinical significance of this variant remains unclear.